The following is an entry in ClinVar:

ClinVar aggregate classification (germline): Uncertain significance (1 of 4 stars; one submission).

Submission:

GeneDx
Classification: Uncertain significance. Last evaluated: 2026-04-16. Review status: criteria provided, single submitter. Criteria: GeneDx Variant Classification Process June 2021. Collection method: clinical testing. Allele origin: germline.
Comment: Not observed at significant frequency in large population cohorts (gnomAD); In silico analysis supports a deleterious effect on splicing; Has not been previously published as pathogenic or benign to our knowledge

NM_018426.3(TMEM63B):c.550+5G>T

Gene: TMEM63B (transmembrane protein 63B; plus strand). Cytogenetic location: 6p21.1.
Variant type: single nucleotide variant.
Coding change: c.550+5G>T on transcript NM_018426.3 (MANE Select); 5 bases into the intron after coding-DNA position 550, G replaced by T.
Molecular consequence: intron variant.
Genome position (GRCh38, 1-based): chr6:44,139,614, G>T. VCF-style: chr6-44139614-G-T. GRCh37 (hg19) VCF-style: chr6-44107351-G-T.
Other names: c.550+5G>T (NM_001318792.1).
Identifiers: ClinVar variation 5037331 (VCV005037331.1).